The following is an entry in ClinVar:

NM_007194.4(CHEK2):c.112A>G (p.Ile38Val)

Gene: CHEK2 (checkpoint kinase 2; minus strand). Cytogenetic location: 22q12.1.
Variant type: single nucleotide variant.
Coding change: c.112A>G on transcript NM_007194.4 (MANE Select); coding-DNA position 112, A replaced by G.
Protein change: p.Ile38Val; replaces isoleucine 38 with valine.
Molecular consequence: missense variant.
Genome position (GRCh38, 1-based): chr22:28,734,610, T>C on the plus strand (A>G on the coding strand, the complement: CHEK2 is on the minus strand). VCF-style: chr22-28734610-T-C. GRCh37 (hg19) VCF-style: chr22-29130598-T-C.
Other names: c.112A>G, p.Ile38Val (NM_001005735.3, NM_001349956.3, NM_145862.3); c.-666A>G (NM_001257387.3); short protein forms I38V.
Identifiers: ClinVar variation 583047 (VCV000583047.16), dbSNP rs774192195, ClinGen allele CA10168074.

ClinVar aggregate classification (germline): Conflicting classifications of pathogenicity. Review status: criteria provided, conflicting classifications (1 of 4 stars). 3 submissions from 3 submitters: Uncertain significance (2); Likely benign (1). Last evaluated 2025-12-23.

Conditions:
Hereditary cancer-predisposing syndrome. Also called: Neoplastic Syndromes, Hereditary; Hereditary Cancer Syndrome; Tumor predisposition; Hereditary neoplastic syndrome. Identifiers: Orphanet 140162, MedGen C0027672, MeSH D009386, MONDO:0015356.
Familial cancer of breast. Also called: Hereditary breast cancer; hereditary breast carcinoma; BREAST CANCER, FAMILIAL. Identifiers: Orphanet 227535, MedGen C0346153, MONDO:0016419, OMIM 114480. Disease mechanism: loss of function.

Allele frequency attached by ClinVar (database versions not stated): gnomAD exomes below 0.00001 and 0.00001; ExAC 0.00001.
gnomAD v4.1: 3 of 1,613,782 alleles (0.00019%); highest among the groups gnomAD compares: Admixed American, 0.0017%; no homozygotes.

Submissions (3):

Labcorp Genetics (formerly Invitae), Labcorp
Classification: Uncertain significance for Familial cancer of breast. Last evaluated: 2025-12-23. Review status: criteria provided, single submitter. Criteria: Invitae Variant Classification Sherloc (09022015). Collection method: clinical testing. Allele origin: germline.
Comment: This sequence change replaces isoleucine, which is neutral and non-polar, with valine, which is neutral and non-polar, at codon 38 of the CHEK2 protein (p.Ile38Val). This variant is present in population databases (rs774192195, gnomAD 0.003%). This variant has not been reported in the literature in individuals affected with CHEK2-related conditions. ClinVar contains an entry for this variant (Variation ID: 583047). An algorithm developed to predict the effect of missense changes on protein structure and function (PolyPhen-2) suggests that this variant is likely to be tolerated. In summary, the available evidence is currently insufficient to determine the role of this variant in disease. Therefore, it has been classified as a Variant of Uncertain Significance.

Ambry Genetics
Classification: Likely benign for Hereditary cancer-predisposing syndrome. Last evaluated: 2024-12-23. Review status: criteria provided, single submitter. Criteria: Ambry Variant Classification Scheme 2023. Collection method: clinical testing. Allele origin: germline.

Color Diagnostics, LLC DBA Color Health
Classification: Uncertain significance for Hereditary cancer-predisposing syndrome. Last evaluated: 2024-03-06. Review status: criteria provided, single submitter. Criteria: ACMG Guidelines, 2015. Collection method: clinical testing. Allele origin: germline.
Comment: This missense variant replaces isoleucine with valine at codon 38 of the CHEK2 protein. Computational prediction suggests that this variant may not impact protein structure and function (internally defined REVEL score threshold <= 0.5, PMID: 27666373). Splice site prediction tools suggest that this variant may not impact RNA splicing. To our knowledge, functional studies have not been reported for this variant. This variant has not been reported in individuals affected with hereditary cancer in the literature. This variant has been identified in 1/250756 chromosomes in the general population by the Genome Aggregation Database (gnomAD). The available evidence is insufficient to determine the role of this variant in disease conclusively. Therefore, this variant is classified as a Variant of Uncertain Significance.